The following is an entry in ClinVar:

NC_000021.8:g.(?_34648881)_(34655566_?)del

Gene: IL10RB (interleukin 10 receptor subunit beta; plus strand). Cytogenetic location: 21q22.11.
Variant type: Deletion.
Identifiers: ClinVar variation 2423332 (VCV002423332.5).

ClinVar aggregate classification (germline): Pathogenic (1 of 4 stars; one submission).

Conditions:
Inflammatory bowel disease 25. Also called: Inflammatory bowel disease 25, early onset, autosomal recessive. Identifiers: Orphanet 238569, MedGen C2675508, MONDO:0012941, OMIM 612567.

Submission:

Labcorp Genetics (formerly Invitae), Labcorp
Classification: Pathogenic for Inflammatory bowel disease 25. Last evaluated: 2022-09-27. Review status: criteria provided, single submitter. Criteria: Invitae Variant Classification Sherloc (09022015). Collection method: clinical testing. Allele origin: germline.
Comment: For these reasons, this variant has been classified as Pathogenic. This variant has not been reported in the literature in individuals affected with IL10RB-related conditions. This variant is a gross deletion of the genomic region encompassing exon(s) 3-5 of the IL10RB gene. This deletion is out-of-frame, and is expected to create a premature termination codon and result in an absent or disrupted protein product. Loss-of-function variants in IL10RB are known to be pathogenic (PMID: 22549091).

Literature cited by the submitters: PubMed 22549091.